The following is an entry in ClinVar:

ClinVar aggregate classification (germline): Pathogenic. Review status: criteria provided, multiple submitters, no conflicts (2 of 4 stars). 3 submissions from 3 submitters: Pathogenic (3). Last evaluated 2023-09-07.

Conditions:
Hereditary cancer-predisposing syndrome. Also called: Neoplastic Syndromes, Hereditary; Tumor predisposition; Hereditary neoplastic syndrome; Hereditary Cancer Syndrome. Identifiers: Orphanet 140162, MedGen C0027672, MeSH D009386, MONDO:0015356.
Familial cancer of breast. Also called: hereditary breast carcinoma; Hereditary breast cancer; BREAST CANCER, FAMILIAL. Identifiers: Orphanet 227535, MedGen C0346153, MONDO:0016419, OMIM 114480. Disease mechanism: loss of function.

Submissions (3):

Myriad Genetics, Inc.
Classification: Pathogenic for Familial cancer of breast. Last evaluated: 2023-09-07. Review status: criteria provided, single submitter. Criteria: Myriad Autosomal Dominant, Autosomal Recessive and X-Linked Classification Criteria (2023). Collection method: clinical testing. Allele origin: unknown.
Comment: This variant is considered pathogenic. This variant creates a termination codon and is predicted to result in premature protein truncation.

Labcorp Genetics (formerly Invitae), Labcorp
Classification: Pathogenic for Familial cancer of breast. Last evaluated: 2023-08-23. Review status: criteria provided, single submitter. Criteria: Invitae Variant Classification Sherloc (09022015). Collection method: clinical testing. Allele origin: germline.
Comment: For these reasons, this variant has been classified as Pathogenic. ClinVar contains an entry for this variant (Variation ID: 1372900). This variant has not been reported in the literature in individuals affected with PALB2-related conditions. This variant is not present in population databases (gnomAD no frequency). This sequence change creates a premature translational stop signal (p.Asn330*) in the PALB2 gene. It is expected to result in an absent or disrupted protein product. Loss-of-function variants in PALB2 are known to be pathogenic (PMID: 17200668, 17200671, 17200672, 24136930, 25099575).

Ambry Genetics
Classification: Pathogenic for Hereditary cancer-predisposing syndrome. Last evaluated: 2022-01-21. Review status: criteria provided, single submitter. Criteria: Ambry Variant Classification Scheme 2023. Collection method: clinical testing. Allele origin: germline.
Comment: The c.986_987dupTA pathogenic mutation, located in coding exon 4 of the PALB2 gene, results from a duplication of TA at nucleotide position 986, causing a translational frameshift with a predicted alternate stop codon (p.N330*). This variant is considered to be rare based on population cohorts in the Genome Aggregation Database (gnomAD). This alteration is expected to result in loss of function by premature protein truncation or nonsense-mediated mRNA decay. As such, this alteration is interpreted as a disease-causing mutation.

Literature cited by the submitters: PubMed 17200668 (cited by Labcorp Genetics (formerly Invitae), Labcorp); PubMed 17200671 (cited by Labcorp Genetics (formerly Invitae), Labcorp); PubMed 17200672 (cited by Labcorp Genetics (formerly Invitae), Labcorp); PubMed 24136930 (cited by Labcorp Genetics (formerly Invitae), Labcorp); PubMed 25099575 (cited by Labcorp Genetics (formerly Invitae), Labcorp).

NM_024675.4(PALB2):c.986_987dup (p.Asn330Ter)

Gene: PALB2 (partner and localizer of BRCA2; minus strand). Cytogenetic location: 16p12.2.
Variant type: Duplication.
Coding change: c.986_987dup on transcript NM_024675.4 (MANE Select); coding-DNA positions 986 to 987, 2 bases duplicated (TA; older notation c.986_987dupTA).
Protein change: p.Asn330Ter; replaces asparagine 330 with a stop codon.
Molecular consequence: nonsense.
Genome position (GRCh38, 1-based): chr16:23,635,559-23,635,560, TA duplicated on the plus strand (TA on the coding strand, the reverse complement: PALB2 is on the minus strand). VCF-style (leftmost placement, unchanged base first): chr16-23635558-T-TTA. GRCh37 (hg19) VCF-style: chr16-23646879-T-TTA.
Other names: short protein forms N330*.
Identifiers: ClinVar variation 1372900 (VCV001372900.10), dbSNP rs2142429230, ClinGen allele CA2573152199.
Genomic context (GRCh38, chr16:23,635,558, plus strand): 5'-GATTTTGTTCTTTTAAGTTTTGGTTTTCATTTGCTGGTAAGTTATTGTAGGTGAGTTCAT[T>TTA]TAGAGAACATGAAATATTTGCCTCTAAATTAGAACTTGTGGGCAGTTGGCCACTTTTACT-3'